The following is an entry in ClinVar:

NM_198576.4(AGRN):c.3187A>G (p.Thr1063Ala)

Gene: AGRN (agrin; plus strand). Cytogenetic location: 1p36.33.
Variant type: single nucleotide variant.
Coding change: c.3187A>G on transcript NM_198576.4 (MANE Select); coding-DNA position 3187, A replaced by G.
Protein change: p.Thr1063Ala; replaces threonine 1063 with alanine.
Molecular consequence: missense variant.
Genome position (GRCh38, 1-based): chr1:1,046,672, A>G. VCF-style: chr1-1046672-A-G. GRCh37 (hg19) VCF-style: chr1-982052-A-G.
Other names: c.3187A>G, p.Thr1063Ala (NM_001305275.2); c.2872A>G, p.Thr958Ala (NM_001364727.2); short protein forms T1063A, T958A.
Identifiers: ClinVar variation 2088595 (VCV002088595.4), dbSNP rs1570225196, ClinGen allele CA337847600.

ClinVar aggregate classification (germline): Uncertain significance (1 of 4 stars; one submission).

Conditions:
Congenital myasthenic syndrome 8. Also called: MYASTHENIC SYNDROME, CONGENITAL, DUE TO AGRIN DEFICIENCY; Myasthenic syndrome, congenital, 8, with pre- and postsynaptic defects. Identifiers: Orphanet 590, MedGen C3808739, MONDO:0014052, OMIM 615120.

Submission:

Labcorp Genetics (formerly Invitae), Labcorp
Classification: Uncertain significance for Congenital myasthenic syndrome 8. Last evaluated: 2022-01-21. Review status: criteria provided, single submitter. Criteria: Invitae Variant Classification Sherloc (09022015). Collection method: clinical testing. Allele origin: germline.
Comment: This sequence change replaces threonine, which is neutral and polar, with alanine, which is neutral and non-polar, at codon 1063 of the AGRN protein (p.Thr1063Ala). This variant is not present in population databases (gnomAD no frequency). This variant has not been reported in the literature in individuals affected with AGRN-related conditions. Algorithms developed to predict the effect of missense changes on protein structure and function output the following: SIFT: "Tolerated"; PolyPhen-2: "Benign"; Align-GVGD: "Class C0". The alanine amino acid residue is found in multiple mammalian species, which suggests that this missense change does not adversely affect protein function. In summary, the available evidence is currently insufficient to determine the role of this variant in disease. Therefore, it has been classified as a Variant of Uncertain Significance.